The following is an entry in ClinVar:

NR_003051.4(RMRP):n.224C>G

Gene: RMRP (RNA component of mitochondrial RNA processing endoribonuclease; minus strand). Cytogenetic location: 9p13.3.
Variant type: single nucleotide variant.
Molecular consequence: non-coding transcript variant (on NR_003051.4).
Genome position: GRCh38 VCF-style: chr9-35657796-G-C. GRCh37 (hg19) VCF-style: chr9-35657793-G-C.
Identifiers: ClinVar variation 4819363 (VCV004819363.1).
Genomic context (GRCh38, chr9:35,657,796, plus strand): 5'-TCTCGGGAACAAAAAACAGCCGCGCTGAGAATGAGCCCCGTGTGGTTGGTGCGCGGACAC[G>C]CACTGCCTGCGTAACTAGAGGGAGCTGACGGATGACGCCCCCGCGCCACGCCGCTCAGCG-3'

ClinVar aggregate classification (germline): Likely pathogenic (1 of 4 stars; one submission).

Conditions:
Metaphyseal chondrodysplasia, McKusick type (CHH). Also called: Cartilage-hair hypoplasia; Cartilage-Hair Hypoplasia (CHH). Identifiers: Orphanet 175, MedGen C0220748, MONDO:0009595, OMIM 250250.

gnomAD v4.1: 2 of 699,754 alleles (0.00029%); highest among the groups gnomAD compares: Non-Finnish European, 0.00052%; no homozygotes.

Submission:

Clinical Biomedical Laboratory, Shriners Hospital For Children - Canada
Classification: Likely pathogenic for Metaphyseal chondrodysplasia, McKusick type. Review status: criteria provided, single submitter. Criteria: ACMG Guidelines, 2015. Collection method: clinical testing. Allele origin: germline. Affected: yes.
Comment: This variant is predicted to change a nucleotide in the non-coding transcript of RMRP. In the Genome Aggregation Database (gnomAD v2.1.1) this variant is not present, indicating it is very rare. This variant has not been submitted to ClinVar. The proband’s phenotype is specific for RMRP-related disease. Based on the ACMG variant interpretation guidelines (criteria: PM2, PP1, PP4), this is a likely pathogenic variant.